The following is an entry in ClinVar:

NM_152564.5(VPS13B):c.3089G>A (p.Arg1030His)

Gene: VPS13B (vacuolar protein sorting 13 homolog B; plus strand). Cytogenetic location: 8q22.2.
Variant type: single nucleotide variant.
Coding change: c.3089G>A on transcript NM_152564.5 (MANE Select); coding-DNA position 3089, G replaced by A.
Protein change: p.Arg1030His; replaces arginine 1030 with histidine.
Molecular consequence: missense variant.
Genome position (GRCh38, 1-based): chr8:99,431,543, G>A. VCF-style: chr8-99431543-G-A. GRCh37 (hg19) VCF-style: chr8-100443771-G-A.
Other names: c.3089G>A (NM_152564.4); c.3089G>A, p.Arg1030His (NM_017890.5); short protein forms R1030H.
Identifiers: ClinVar variation 966183 (VCV000966183.7), dbSNP rs182764947, ClinGen allele CA4823170.

ClinVar aggregate classification (germline): Uncertain significance. Review status: criteria provided, multiple submitters, no conflicts (2 of 4 stars). 4 submissions from 4 submitters: Uncertain significance (2). 2 of the submissions do not count toward it. Last evaluated 2024-10-21.

Conditions:
VPS13B-related disorder. Also called: VPS13B-related condition.
Cohen syndrome (COH1). Also called: PEPPER SYNDROME; Cutis verticis gyrata, retinitis pigmentosa, and sensorineural deafness. Identifiers: Orphanet 193, MedGen C0265223, MONDO:0008999, OMIM 216550.

Allele frequency attached by ClinVar (database versions not stated): TOPMed 0.00002; gnomAD 0.00003; gnomAD exomes 0.00003; ExAC 0.00005; 1000 Genomes Project 30x 0.00031; 1000 Genomes Project 0.00040.
gnomAD v4.1: 70 of 1,613,176 alleles (0.0043%); highest among the groups gnomAD compares: East Asian, 0.11%; no homozygotes.

Submissions (4):

Labcorp Genetics (formerly Invitae), Labcorp
Classification: Uncertain significance for Cohen syndrome. Last evaluated: 2024-10-21. Review status: criteria provided, single submitter. Criteria: Invitae Variant Classification Sherloc (09022015). Collection method: clinical testing. Allele origin: germline.
Comment: This sequence change replaces arginine, which is basic and polar, with histidine, which is basic and polar, at codon 1030 of the VPS13B protein (p.Arg1030His). This variant is present in population databases (rs182764947, gnomAD 0.02%). This variant has not been reported in the literature in individuals affected with VPS13B-related conditions. ClinVar contains an entry for this variant (Variation ID: 966183). Invitae Evidence Modeling of protein sequence and biophysical properties (such as structural, functional, and spatial information, amino acid conservation, physicochemical variation, residue mobility, and thermodynamic stability) indicates that this missense variant is expected to disrupt VPS13B protein function with a positive predictive value of 80%. In summary, the available evidence is currently insufficient to determine the role of this variant in disease. Therefore, it has been classified as a Variant of Uncertain Significance.

Blueprint Genetics
Classification: Uncertain significance. Last evaluated: 2022-01-06. Review status: criteria provided, single submitter. Criteria: ACMG Guidelines, 2015. Collection method: clinical testing. Allele origin: germline.

PreventionGenetics, part of Exact Sciences
Classification: Uncertain significance for VPS13B-related condition. Last evaluated: 2024-09-25. Review status: no assertion criteria provided. Collection method: clinical testing. Allele origin: germline. Not counted in ClinVar's aggregate classification.
Comment: The VPS13B c.3089G>A variant is predicted to result in the amino acid substitution p.Arg1030His. To our knowledge, this variant has not been reported in the literature. This variant is reported in 0.022% of alleles in individuals of East Asian descent in gnomAD. At this time, the clinical significance of this variant is uncertain due to the absence of conclusive functional and genetic evidence.

Natera, Inc.
Classification: Uncertain significance for Cohen syndrome. Last evaluated: 2020-04-28. Review status: no assertion criteria provided. Collection method: clinical testing. Allele origin: germline. Not counted in ClinVar's aggregate classification.